The following is an entry in ClinVar:

NM_000490.5(AVP):c.237C>G (p.Asn79Lys)

Gene: AVP (arginine vasopressin; minus strand). Cytogenetic location: 20p13.
Variant type: single nucleotide variant.
Coding change: c.237C>G on transcript NM_000490.5 (MANE Select); coding-DNA position 237, C replaced by G.
Protein change: p.Asn79Lys; replaces asparagine 79 with lysine.
Molecular consequence: missense variant.
Genome position (GRCh38, 1-based): chr20:3,083,062, G>C on the plus strand (C>G on the coding strand, the complement: AVP is on the minus strand). VCF-style: chr20-3083062-G-C. GRCh37 (hg19) VCF-style: chr20-3063708-G-C.
Other names: short protein forms N79K.
Identifiers: ClinVar variation 3651931 (VCV003651931.2).

ClinVar aggregate classification (germline): Uncertain significance (1 of 4 stars; one submission).

Submission:

Labcorp Genetics (formerly Invitae), Labcorp
Classification: Uncertain significance. Last evaluated: 2024-05-02. Review status: criteria provided, single submitter. Criteria: Invitae Variant Classification Sherloc (09022015). Collection method: clinical testing. Allele origin: germline.
Comment: This sequence change replaces asparagine, which is neutral and polar, with lysine, which is basic and polar, at codon 79 of the AVP protein (p.Asn79Lys). This variant is not present in population databases (gnomAD no frequency). This variant has not been reported in the literature in individuals affected with AVP-related conditions. Algorithms developed to predict the effect of missense changes on protein structure and function output the following: SIFT: "Not Available"; PolyPhen-2: "Benign"; Align-GVGD: "Not Available". The lysine amino acid residue is found in multiple mammalian species, which suggests that this missense change does not adversely affect protein function. In summary, the available evidence is currently insufficient to determine the role of this variant in disease. Therefore, it has been classified as a Variant of Uncertain Significance.